The following is an entry in ClinVar:

NM_001849.4(COL6A2):c.2138G>T (p.Arg713Leu)

Gene: COL6A2 (collagen type VI alpha 2 chain; plus strand). Cytogenetic location: 21q22.3.
Variant type: single nucleotide variant.
Coding change: c.2138G>T on transcript NM_001849.4 (MANE Select); coding-DNA position 2138, G replaced by T.
Protein change: p.Arg713Leu; replaces arginine 713 with leucine.
Molecular consequence: missense variant.
Genome position (GRCh38, 1-based): chr21:46,125,953, G>T. VCF-style: chr21-46125953-G-T. GRCh37 (hg19) VCF-style: chr21-47545867-G-T.
Other names: c.2138G>T, p.Arg713Leu (NM_058174.3, NM_058175.3); short protein forms R713L.
Identifiers: ClinVar variation 1313283 (VCV001313283.9), dbSNP rs746159648, ClinGen allele CA10072448.

ClinVar aggregate classification (germline): Conflicting classifications of pathogenicity. Review status: criteria provided, conflicting classifications (1 of 4 stars). 5 submissions from 5 submitters: Uncertain significance (3); Likely benign (1). 1 of the submissions does not count toward it. Last evaluated 2026-09-01.

Conditions:
COL6A2-related disorder.
Bethlem myopathy 1A. Also called: MYOPATHY, BENIGN CONGENITAL, WITH CONTRACTURES; Bethlem Muscular Dystrophy; Bethlem myopathy 1. Identifiers: Orphanet 610, MedGen CN029274, MONDO:0024530, OMIM 158810.
Inborn genetic diseases. Identifiers: MedGen C0950123, MeSH D030342.

Allele frequency attached by ClinVar (database versions not stated): gnomAD 0.00001; gnomAD exomes 0.00003.
gnomAD v4.1: 32 of 1,613,052 alleles (0.002%); highest among the groups gnomAD compares: Admixed American, 0.012%; no homozygotes.

Submissions (5):

CeGaT Center for Human Genetics Tuebingen
Classification: Uncertain significance. Last evaluated: 2026-09-01. Review status: criteria provided, single submitter. Criteria: CeGaT Center For Human Genetics Tuebingen Variant Classification Criteria Version 2. Collection method: clinical testing. Allele origin: germline. Affected: yes. Observed: 1 variant allele.
Comment: COL6A2: PM2, BP4

Ambry Genetics
Classification: Uncertain significance for Inborn genetic diseases. Last evaluated: 2024-07-26. Review status: criteria provided, single submitter. Criteria: Ambry Variant Classification Scheme 2023. Collection method: clinical testing. Allele origin: germline.

Labcorp Genetics (formerly Invitae), Labcorp
Classification: Likely benign for Bethlem myopathy 1A. Last evaluated: 2024-04-09. Review status: criteria provided, single submitter. Criteria: Invitae Variant Classification Sherloc (09022015). Collection method: clinical testing. Allele origin: germline.

GeneDx
Classification: Uncertain significance. Last evaluated: 2020-10-15. Review status: criteria provided, single submitter. Criteria: GeneDx Variant Classification Process June 2021. Collection method: clinical testing. Allele origin: germline. Affected: yes.
Comment: In silico analysis supports that this missense variant has a deleterious effect on protein structure/function; Has not been previously published as pathogenic or benign to our knowledge

PreventionGenetics, part of Exact Sciences
Classification: Uncertain significance for COL6A2-related condition. Last evaluated: 2024-09-27. Review status: no assertion criteria provided. Collection method: clinical testing. Allele origin: germline. Not counted in ClinVar's aggregate classification.
Comment: The COL6A2 c.2138G>T variant is predicted to result in the amino acid substitution p.Arg713Leu. To our knowledge, this variant has not been reported in the literature. This variant is reported in 0.014% of alleles in individuals of Latino descent in gnomAD. At this time, the clinical significance of this variant is uncertain due to the absence of conclusive functional and genetic evidence.